The following is an entry in ClinVar:

NM_006445.4(PRPF8):c.1149T>G (p.Phe383Leu)

Gene: PRPF8 (pre-mRNA processing factor 8; minus strand). Cytogenetic location: 17p13.3.
Variant type: single nucleotide variant.
Coding change: c.1149T>G on transcript NM_006445.4 (MANE Select); coding-DNA position 1149, T replaced by G.
Protein change: p.Phe383Leu; replaces phenylalanine 383 with leucine.
Molecular consequence: missense variant.
Genome position (GRCh38, 1-based): chr17:1,679,749, A>C on the plus strand (T>G on the coding strand, the complement: PRPF8 is on the minus strand). VCF-style: chr17-1679749-A-C. GRCh37 (hg19) VCF-style: chr17-1583043-A-C.
Other names: c.1149T>G (NM_006445.3); short protein forms F383L.
Identifiers: ClinVar variation 1024622 (VCV001024622.8), dbSNP rs755301153, ClinGen allele CA8272425.
Genomic context (GRCh38, chr17:1,679,749, plus strand): 5'-GGCAATGCCATTGGCTGTATTGTCTGTATAGAGGGGTGTGTCCTTCAGGAAGGGCTCCAC[A>C]AACTCCGGGAGCTCAAATTCCTCATCATCATCCGGCAATGGTTCCTGGCTCTGAAAAAGG-3'
Protein context (NP_006436.3, residues 373-393): DDDEEFELPE[Phe383Leu]VEPFLKDTPL

ClinVar aggregate classification (germline): Uncertain significance. Review status: criteria provided, multiple submitters, no conflicts (2 of 4 stars). 4 submissions from 4 submitters: Uncertain significance (4). Last evaluated 2026-06-21.

Conditions:
Inborn genetic diseases. Identifiers: MedGen C0950123, MeSH D030342.
PRPF8-related disorder. Also called: PRPF8-related condition.

Allele frequency attached by ClinVar (database versions not stated): TOPMed 0.00006.
gnomAD v4.1: 56 of 1,614,056 alleles (0.0035%); highest among the groups gnomAD compares: Non-Finnish European, 0.0047%; no homozygotes.

Submissions (4):

PreventionGenetics, part of Exact Sciences
Classification: Uncertain significance for PRPF8-related condition. Last evaluated: 2026-06-21. Review status: criteria provided, single submitter. Criteria: ACMG Guidelines, 2015. Collection method: clinical testing. Allele origin: germline.
Comment: The PRPF8 c.1149T>G variant is predicted to result in the amino acid substitution p.Phe383Leu. To our knowledge, this variant has not been reported in the literature. This variant is reported in 0.0026% of alleles in individuals of European (Non-Finnish) descent in gnomAD. At this time, the clinical significance of this variant is uncertain due to the absence of conclusive functional and genetic evidence.

Labcorp Genetics (formerly Invitae), Labcorp
Classification: Uncertain significance. Last evaluated: 2025-12-22. Review status: criteria provided, single submitter. Criteria: Invitae Variant Classification Sherloc (09022015). Collection method: clinical testing. Allele origin: germline.
Comment: This sequence change replaces phenylalanine, which is neutral and non-polar, with leucine, which is neutral and non-polar, at codon 383 of the PRPF8 protein (p.Phe383Leu). This variant is present in population databases (rs755301153, gnomAD 0.003%). This variant has not been reported in the literature in individuals affected with PRPF8-related conditions. ClinVar contains an entry for this variant (Variation ID: 1024622). Invitae Evidence Modeling of protein sequence and biophysical properties (such as structural, functional, and spatial information, amino acid conservation, physicochemical variation, residue mobility, and thermodynamic stability) indicates that this missense variant is not expected to disrupt PRPF8 protein function with a negative predictive value of 80%. In summary, the available evidence is currently insufficient to determine the role of this variant in disease. Therefore, it has been classified as a Variant of Uncertain Significance.

Blueprint Genetics
Classification: Uncertain significance. Last evaluated: 2024-11-14. Review status: criteria provided, single submitter. Criteria: ACMG Guidelines, 2015. Collection method: clinical testing. Allele origin: germline.

Ambry Genetics
Classification: Uncertain significance for Inborn genetic diseases. Last evaluated: 2024-08-14. Review status: criteria provided, single submitter. Criteria: Ambry Variant Classification Scheme 2023. Collection method: clinical testing. Allele origin: germline.